The following is an entry in ClinVar:

GRCh38/hg38 9p24.3-13.1(chr9:204193-38741440)x3

Genes: LRRC19 (leucine rich repeat containing 19; minus strand), LURAP1L (leucine rich adaptor protein 1 like; plus strand), LURAP1L-AS1 (LURAP1L antisense RNA 1; minus strand), MAHAC (maintenance of histone H4K5 acetylation associated lncRNA; plus strand), MELK (maternal embryonic leucine zipper kinase; plus strand) and 900 more. Cytogenetic location: 9p24.3-13.1.
Variant type: copy number gain.
Change: copy number 3 (three copies instead of two) of chr9:204,193-38,741,440 (38.54 Mb, GRCh38 coordinates, 1-based), cytogenetic band 9p24.3-13.1.
Identifiers: ClinVar variation 57406 (VCV000057406.1).

ClinVar aggregate classification (germline): Pathogenic (1 of 4 stars; one submission).

Submission:

ISCA site 4
Classification: Pathogenic. Last evaluated: 2011-08-12. Review status: criteria provided, single submitter. Criteria: Kaminsky et al. (Genet Med. 2011). Collection method: clinical testing. Allele origin: de novo. Affected: yes. Observed: 1 variant allele.
Comment: Copy number variation identified through the course of routine clinical cytogenomic testing in postnatal populations. Clinical assertions have been curated as described in Kaminsky et al. 2011.